The following is an entry in ClinVar:

NM_001320714.2(DOP1B):c.3330C>T (p.Thr1110=)

Gene: DOP1B (DOP1 leucine zipper like protein B; plus strand). Cytogenetic location: 21q22.12.
Variant type: single nucleotide variant.
Coding change: c.3330C>T on transcript NM_001320714.2 (MANE Select); coding-DNA position 3330, C replaced by T.
Protein change: p.Thr1110=; no amino-acid change (threonine 1110 retained).
Molecular consequence: synonymous variant.
Genome position (GRCh38, 1-based): chr21:36,245,310, C>T. VCF-style: chr21-36245310-C-T. GRCh37 (hg19) VCF-style: chr21-37617608-C-T.
Other names: c.3330C>T, p.Thr1110= (NM_005128.4).
Identifiers: ClinVar variation 2652642 (VCV002652642.24), dbSNP rs149830805, ClinGen allele CA10016865.
Genomic context (GRCh38, chr21:36,245,310, plus strand): 5'-CTACTACGTGGAGCTTCCAGACAGGACGGCCCACGGCGCCCCGGACAGCAGCGAGCACAC[C>T]GAGTCTGCAGATACAAGCTCCTGCCACACGGACAGCGAGAACACGTCCTCCTTCTCCTCC-3'
Protein context (NP_001307643.1, residues 1100-1120): AHGAPDSSEH[Thr1110=]ESADTSSCHT

ClinVar aggregate classification (germline): Likely benign (1 of 4 stars; one submission).

Allele frequency attached by ClinVar (database versions not stated): 1000 Genomes Project 0.00100; 1000 Genomes Project 30x 0.00109; gnomAD 0.00169; TOPMed 0.00187; ESP Exome Variant Server 0.00223.
gnomAD v4.1: 3,809 of 1,614,090 alleles (0.24%); highest among the groups gnomAD compares: Non-Finnish European, 0.29%; 9 homozygotes.

Submission:

CeGaT Center for Human Genetics Tuebingen
Classification: Likely benign. Last evaluated: 2022-06-01. Review status: criteria provided, single submitter. Criteria: CeGaT Center For Human Genetics Tuebingen Variant Classification Criteria Version 2. Collection method: clinical testing. Allele origin: germline. Affected: yes. Observed: 1 variant allele.
Comment: DOP1B: BP4, BP7